The following is an entry in ClinVar:

NM_001543.5(NDST1):c.2589G>A (p.Leu863=)

Gene: NDST1 (N-deacetylase and N-sulfotransferase 1; plus strand). Cytogenetic location: 5q33.1.
Variant type: single nucleotide variant.
Coding change: c.2589G>A on transcript NM_001543.5 (MANE Select); coding-DNA position 2589, G replaced by A.
Protein change: p.Leu863=; no amino-acid change (leucine 863 retained).
Molecular consequence: synonymous variant.
Genome position (GRCh38, 1-based): chr5:150,553,272, G>A. VCF-style: chr5-150553272-G-A. GRCh37 (hg19) VCF-style: chr5-149932834-G-A.
Other names: c.2418G>A, p.Leu806= (NM_001301063.2).
Identifiers: ClinVar variation 435957 (VCV000435957.28), dbSNP rs148765445, ClinGen allele CA3513018.

ClinVar aggregate classification (germline): Benign/Likely benign. Review status: criteria provided, multiple submitters, no conflicts (2 of 4 stars). 4 submissions from 4 submitters: Benign (1); Likely benign (3). Last evaluated 2026-04-01.

Allele frequency attached by ClinVar (database versions not stated): gnomAD exomes 0.00052 and 0.00018; ExAC 0.00058; 1000 Genomes Project 0.00120; 1000 Genomes Project 30x 0.00156; gnomAD 0.00176 and 0.00192; ESP Exome Variant Server 0.00192; TOPMed 0.00201.
gnomAD v4.1: 557 of 1,613,948 alleles (0.035%); highest among the groups gnomAD compares: African/African-American, 0.57%; 1 homozygote.

Submissions (4):

CeGaT Center for Human Genetics Tuebingen
Classification: Likely benign. Last evaluated: 2026-04-01. Review status: criteria provided, single submitter. Criteria: CeGaT Center For Human Genetics Tuebingen Variant Classification Criteria Version 2. Collection method: clinical testing. Allele origin: germline. Affected: yes. Observed: 3 variant alleles.
Comment: NDST1: BP4, BP7

Labcorp Genetics (formerly Invitae), Labcorp
Classification: Benign. Last evaluated: 2025-11-17. Review status: criteria provided, single submitter. Criteria: Invitae Variant Classification Sherloc (09022015). Collection method: clinical testing. Allele origin: germline.

Blueprint Genetics
Classification: Likely benign. Last evaluated: 2024-03-19. Review status: criteria provided, single submitter. Criteria: ACMG Guidelines, 2015. Collection method: clinical testing. Allele origin: germline.

Genetic Services Laboratory, University of Chicago
Classification: Likely benign. Last evaluated: 2015-10-20. Review status: criteria provided, single submitter. Criteria: ACMG Guidelines, 2015. Collection method: clinical testing. Allele origin: germline. Affected: no.